The following is an entry in ClinVar:

NM_025074.7(FRAS1):c.8047T>C (p.Tyr2683His)

Gene: FRAS1 (Fraser extracellular matrix complex subunit 1; plus strand). Cytogenetic location: 4q21.21.
Variant type: single nucleotide variant.
Coding change: c.8047T>C on transcript NM_025074.7 (MANE Select); coding-DNA position 8047, T replaced by C.
Protein change: p.Tyr2683His; replaces tyrosine 2683 with histidine.
Molecular consequence: missense variant.
Genome position (GRCh38, 1-based): chr4:78,478,010, T>C. VCF-style: chr4-78478010-T-C. GRCh37 (hg19) VCF-style: chr4-79399164-T-C.
Other names: c.8047T>C (NM_025074.6); short protein forms Y2683H.
Identifiers: ClinVar variation 1981951 (VCV001981951.2), dbSNP rs1047655022, ClinGen allele CA99952592.

ClinVar aggregate classification (germline): Uncertain significance. Review status: criteria provided, multiple submitters, no conflicts (2 of 4 stars). 2 submissions from 2 submitters: Uncertain significance (2). Last evaluated 2024-08-05.

Conditions:
Inborn genetic diseases. Identifiers: MedGen C0950123, MeSH D030342.

Allele frequency attached by ClinVar (database versions not stated): gnomAD exomes below 0.00001; gnomAD 0.00001; TOPMed 0.00003.
gnomAD v4.1: 6 of 1,605,486 alleles (0.00037%); highest among the groups gnomAD compares: African/African-American, 0.008%; no homozygotes.

Submissions (2):

Ambry Genetics
Classification: Uncertain significance for Inborn genetic diseases. Last evaluated: 2024-08-05. Review status: criteria provided, single submitter. Criteria: Ambry Variant Classification Scheme 2023. Collection method: clinical testing. Allele origin: germline.

Labcorp Genetics (formerly Invitae), Labcorp
Classification: Uncertain significance. Last evaluated: 2022-08-22. Review status: criteria provided, single submitter. Criteria: Invitae Variant Classification Sherloc (09022015). Collection method: clinical testing. Allele origin: germline.
Comment: This sequence change replaces tyrosine, which is neutral and polar, with histidine, which is basic and polar, at codon 2683 of the FRAS1 protein (p.Tyr2683His). This variant is present in population databases (no rsID available, gnomAD 0.007%). This variant has not been reported in the literature in individuals affected with FRAS1-related conditions. Algorithms developed to predict the effect of missense changes on protein structure and function (SIFT, PolyPhen-2, Align-GVGD) all suggest that this variant is likely to be disruptive. In summary, the available evidence is currently insufficient to determine the role of this variant in disease. Therefore, it has been classified as a Variant of Uncertain Significance.